The following is an entry in ClinVar:

ClinVar aggregate classification (germline): Uncertain significance (1 of 4 stars; one submission).

Submission:

Labcorp Genetics (formerly Invitae), Labcorp
Classification: Uncertain significance. Last evaluated: 2025-07-06. Review status: criteria provided, single submitter. Criteria: Invitae Variant Classification Sherloc (09022015). Collection method: clinical testing. Allele origin: germline.
Comment: This sequence change affects an acceptor splice site in intron 1 of the COL9A3 gene. Variants that disrupt the donor or acceptor splice site typically lead to a loss of protein function (PMID:16199547), however it is unknown whether splice variants in this region will result in a loss of function. This variant is not present in population databases (gnomAD no frequency). This variant has not been reported in the literature in individuals affected with COL9A3-related conditions. Algorithms developed to predict the effect of sequence changes on RNA splicing suggest that this variant may disrupt the consensus splice site. In summary, the available evidence is currently insufficient to determine the role of this variant in disease. Therefore, it has been classified as a Variant of Uncertain Significance.

Literature cited by the submitters: PubMed 16199547.

NM_001853.4(COL9A3):c.79-1G>T

Gene: COL9A3 (collagen type IX alpha 3 chain; plus strand). Cytogenetic location: 20q13.33.
Variant type: single nucleotide variant.
Coding change: c.79-1G>T on transcript NM_001853.4 (MANE Select); the canonical splice acceptor site of the intron before coding-DNA position 79, G replaced by T.
Molecular consequence: splice acceptor variant.
Genome position (GRCh38, 1-based): chr20:62,817,566, G>T. VCF-style: chr20-62817566-G-T. GRCh37 (hg19) VCF-style: chr20-61448918-G-T.
Identifiers: ClinVar variation 4722783 (VCV004722783.1).